The following is an entry in ClinVar:

NM_002474.3(MYH11):c.1814C>T (p.Ser605Phe)

Gene: MYH11 (myosin heavy chain 11; minus strand). Cytogenetic location: 16p13.11.
Variant type: single nucleotide variant.
Coding change: c.1814C>T on transcript NM_002474.3 (MANE Select); coding-DNA position 1814, C replaced by T.
Protein change: p.Ser605Phe; replaces serine 605 with phenylalanine.
Molecular consequence: missense variant.
Genome position (GRCh38, 1-based): chr16:15,753,444, G>A on the plus strand (C>T on the coding strand, the complement: MYH11 is on the minus strand). VCF-style: chr16-15753444-G-A. GRCh37 (hg19) VCF-style: chr16-15847301-G-A.
Other names: c.1835C>T, p.Ser612Phe (NM_001040113.2, NM_001040114.2); c.1814C>T, p.Ser605Phe (NM_022844.3); short protein forms S605F, S612F.
Identifiers: ClinVar variation 3069285 (VCV003069285.2), dbSNP rs2506328273, ClinGen allele CA394869380.

ClinVar aggregate classification (germline): Uncertain significance. Review status: criteria provided, multiple submitters, no conflicts (2 of 4 stars). 2 submissions from 2 submitters: Uncertain significance (2). Last evaluated 2025-06-08.

Conditions:
Familial thoracic aortic aneurysm and aortic dissection (TAAD). Also called: Thoracic aortic aneurysms and dissections. Identifiers: Orphanet 91387, MedGen C4707243, MONDO:0019625.
Aortic aneurysm, familial thoracic 4 (AAT4). Also called: AORTIC ANEURYSM/AORTIC DISSECTION AND PATENT DUCTUS ARTERIOSUS. Identifiers: MedGen C1851504, MONDO:0007568, OMIM 132900.

Allele frequency attached by ClinVar (database versions not stated): gnomAD exomes 0.00001.
gnomAD v4.1: 10 of 1,614,120 alleles (0.00062%); highest among the groups gnomAD compares: Non-Finnish European, 0.00085%; no homozygotes.

Submissions (2):

Labcorp Genetics (formerly Invitae), Labcorp
Classification: Uncertain significance for Aortic aneurysm, familial thoracic 4. Last evaluated: 2025-06-08. Review status: criteria provided, single submitter. Criteria: Invitae Variant Classification Sherloc (09022015). Collection method: clinical testing. Allele origin: germline.
Comment: This sequence change replaces serine, which is neutral and polar, with phenylalanine, which is neutral and non-polar, at codon 612 of the MYH11 protein (p.Ser612Phe). This variant is not present in population databases (gnomAD no frequency). This variant has not been reported in the literature in individuals affected with MYH11-related conditions. ClinVar contains an entry for this variant (Variation ID: 3069285). Invitae Evidence Modeling of protein sequence and biophysical properties (such as structural, functional, and spatial information, amino acid conservation, physicochemical variation, residue mobility, and thermodynamic stability) indicates that this missense variant is not expected to disrupt MYH11 protein function with a negative predictive value of 95%. In summary, the available evidence is currently insufficient to determine the role of this variant in disease. Therefore, it has been classified as a Variant of Uncertain Significance.

All of Us Research Program, National Institutes of Health
Classification: Uncertain significance for Familial thoracic aortic aneurysm and aortic dissection. Last evaluated: 2023-08-15. Review status: criteria provided, single submitter. Criteria: ACMG Guidelines, 2015. Collection method: clinical testing. Allele origin: germline. Inheritance: Autosomal dominant inheritance. Observed: 1 variant allele, 1 heterozygote.
Comment: This study involves interpretation of variants in research participants for the purpose of population health screening. Participant phenotype was not available at the time of variant classification. Additional details can be found in publication PMID: 35346344, PMCID: PMC8962531